The following is an entry in ClinVar:

NM_000169.3(GLA):c.559_564dup (p.Ser188_Leu189insMetSer)

Genes: GLA (galactosidase alpha; minus strand), RPL36A-HNRNPH2 (RPL36A-HNRNPH2 readthrough; plus strand). Cytogenetic location: Xq22.1.
Variant type: Duplication.
Coding change: c.559_564dup on transcript NM_000169.3 (MANE Select); coding-DNA positions 559 to 564, 6 bases duplicated (ATGTCC; older notation c.559_564dupATGTCC).
Protein change: p.Ser188_Leu189insMetSer.
Molecular consequence: inframe insertion. On other transcripts: non-coding transcript variant (2), intron variant (2).
Genome position (GRCh38, 1-based): chrX:101,400,741-101,400,746, GGACAT duplicated on the plus strand (ATGTCC on the coding strand, the reverse complement: GLA is on the minus strand); duplicating any 6 consecutive bases within chrX:101,400,741-101,400,747 gives the same sequence; the c. name uses the placement nearest the transcript's 3' end. VCF-style (leftmost placement, unchanged base first): chrX-101400740-A-AGGACAT. GRCh37 (hg19) VCF-style: chrX-100655728-A-AGGACAT.
Other names: c.682_687dup, p.Ser229_Leu230insMetSer (NM_001406747.1); c.559_564dup, p.Ser188_Leu189insMetSer (NM_001406748.1); c.300+5285_300+5290dup (NM_001199973.2); c.177+8920_177+8925dup (NM_001199974.2).
Identifiers: ClinVar variation 4087090 (VCV004087090.2).

ClinVar aggregate classification (germline): Likely pathogenic (1 of 4 stars; one submission).

Conditions:
Fabry disease. Also called: ALPHA-GALACTOSIDASE A DEFICIENCY; ANDERSON-FABRY DISEASE; CERAMIDE TRIHEXOSIDASE DEFICIENCY; GLA DEFICIENCY; HEREDITARY DYSTOPIC LIPIDOSIS; Angiokeratoma corporis diffusum. Identifiers: Orphanet 324, MedGen C0002986, MONDO:0010526, OMIM 301500, HP:0001071. Disease mechanism: Fabry disease is due to inactivating mutations in the X-linked GLA gene resulting in deficiency of the enzyme Alpha Galactosidase-A., loss of function.

Submission:

Genomenon, Inc
Classification: Likely pathogenic for Fabry disease. Last evaluated: 2026-09-08. Review status: criteria provided, single submitter. Criteria: Genomenon Sequence Variant Interpretation Standards - Updated. Collection method: curation. Allele origin: germline. Affected: no.
Comment: GLA p.Met187_Ser188dup (c.559_564dup) is an in-frame duplication variant that results in the duplication of Methionine at codon 187 and Serine at codon 188. To our knowledge, this variant has not been reported in patients affected with Fabry disease in the published literature. At least one functional study has demonstrated a substantial alteration in protein function relative to the wild-type (PMID:27657681). It is absent or not present at a significant frequency in gnomAD. In conclusion, we classify GLA p.Met187_Ser188dup (c.559_564dup) as a likely pathogenic variant.

Literature cited by the submitters: PubMed 27657681.